The following is an entry in ClinVar:

ClinVar aggregate classification (germline): Uncertain significance (1 of 4 stars; one submission).

Submission:

Labcorp Genetics (formerly Invitae), Labcorp
Classification: Uncertain significance. Last evaluated: 2021-11-26. Review status: criteria provided, single submitter. Criteria: Invitae Variant Classification Sherloc (09022015). Collection method: clinical testing. Allele origin: germline.
Comment: In summary, the available evidence is currently insufficient to determine the role of this variant in disease. Therefore, it has been classified as a Variant of Uncertain Significance. Algorithms developed to predict the effect of missense changes on protein structure and function are either unavailable or do not agree on the potential impact of this missense change (SIFT: "Deleterious"; PolyPhen-2: "Benign"; Align-GVGD: "Class C0"). This variant has not been reported in the literature in individuals affected with IMPG1-related conditions. This variant is not present in population databases (gnomAD no frequency). This sequence change replaces phenylalanine, which is neutral and non-polar, with leucine, which is neutral and non-polar, at codon 61 of the IMPG1 protein (p.Phe61Leu).

NM_001563.4(IMPG1):c.183C>A (p.Phe61Leu)

Gene: IMPG1 (interphotoreceptor matrix proteoglycan 1; minus strand). Cytogenetic location: 6q14.1.
Variant type: single nucleotide variant.
Coding change: c.183C>A on transcript NM_001563.4 (MANE Select); coding-DNA position 183, C replaced by A.
Protein change: p.Phe61Leu; replaces phenylalanine 61 with leucine.
Molecular consequence: missense variant. On other transcripts: intron variant (1).
Genome position (GRCh38, 1-based): chr6:76,042,011, G>T on the plus strand (C>A on the coding strand, the complement: IMPG1 is on the minus strand). VCF-style: chr6-76042011-G-T. GRCh37 (hg19) VCF-style: chr6-76751728-G-T.
Other names: c.68-7224C>A (NM_001282368.2); short protein forms F61L.
Identifiers: ClinVar variation 1395212 (VCV001395212.6), dbSNP rs764226204, ClinGen allele CA364829787.
Genomic context (GRCh38, chr6:76,042,011, plus strand): 5'-ACAGACTTTAACCCCCGTTGGGAAAAATGCGGATCTTTTTGTTCGATGCTTTGCCAAATC[G>T]AATATTCGTCTCATAGTTGACATTTTGTACATTTTTTCAGTACTTTCAGTTGTTTCATTT-3'
Protein context (NP_001554.2, residues 51-71): MYKMSTMRRI[Phe61Leu]DLAKHRTKRS